The following is an entry in ClinVar:

ClinVar aggregate classification (germline): Uncertain significance (1 of 4 stars; one submission).

Conditions:
Long QT syndrome 1 (LQT1). Identifiers: Orphanet 101016, Orphanet 768, MedGen C4551647, MONDO:0100316, OMIM 192500, MONDO:0008646.

Submission:

Labcorp Genetics (formerly Invitae), Labcorp
Classification: Uncertain significance for Long QT syndrome 1. Last evaluated: 2024-02-25. Review status: criteria provided, single submitter. Criteria: Invitae Variant Classification Sherloc (09022015). Collection method: clinical testing. Allele origin: germline.
Comment: This sequence change replaces threonine, which is neutral and polar, with alanine, which is neutral and non-polar, at codon 29 of the CALM2 protein (p.Thr29Ala). This variant is not present in population databases (gnomAD no frequency). This variant has not been reported in the literature in individuals affected with CALM2-related conditions. An algorithm developed to predict the effect of missense changes on protein structure and function (PolyPhen-2) suggests that this variant is likely to be tolerated. In summary, the available evidence is currently insufficient to determine the role of this variant in disease. Therefore, it has been classified as a Variant of Uncertain Significance.

NM_001743.6(CALM2):c.85A>G (p.Thr29Ala)

Gene: CALM2 (calmodulin 2; minus strand). Cytogenetic location: 2p21.
Variant type: single nucleotide variant.
Coding change: c.85A>G on transcript NM_001743.6 (MANE Select); coding-DNA position 85, A replaced by G.
Protein change: p.Thr29Ala; replaces threonine 29 with alanine.
Molecular consequence: missense variant. On other transcripts: 5 prime UTR variant (2).
Genome position (GRCh38, 1-based): chr2:47,162,612, T>C on the plus strand (A>G on the coding strand, the complement: CALM2 is on the minus strand). VCF-style: chr2-47162612-T-C. GRCh37 (hg19) VCF-style: chr2-47389751-T-C.
Other names: c.229A>G, p.Thr77Ala (NM_001305624.1); c.-24A>G (NM_001305625.2, NM_001305626.1); short protein forms T29A, T77A.
Identifiers: ClinVar variation 3643219 (VCV003643219.2).